The following is an entry in ClinVar:

NM_033305.3(VPS13A):c.6214_6215insTGTCT (p.Pro2072fs)

Gene: VPS13A (vacuolar protein sorting 13 homolog A; plus strand). Cytogenetic location: 9q21.2.
Variant type: Insertion.
Coding change: c.6214_6215insTGTCT on transcript NM_033305.3 (MANE Select); coding-DNA positions 6214 to 6215, TGTCT inserted.
Protein change: p.Pro2072fs; shifts the reading frame from proline 2072.
Molecular consequence: frameshift variant.
Genome position: GRCh38 VCF-style: chr9-77337373-C-CTGTCT. GRCh37 (hg19) VCF-style: chr9-79952289-C-CTGTCT.
Other names: c.6097_6098insTGTCT, p.Pro2033fs (NM_001018037.2); c.6214_6215insTGTCT, p.Pro2072fs (NM_001018038.3, NM_015186.4); short protein forms P2033fs, P2072fs.
Identifiers: ClinVar variation 5011069 (VCV005011069.1).
Genomic context (GRCh38, chr9:77,337,373, plus strand): 5'-TTTGAAGAGATTATAAAAAATGATGGTGCTCTTCTAAAGAAGAAATGTAGATCTAAAAAC[C>CTGTCT]CTTCTAAGGAATCATTTCTCATTAATATTGTTCCAGAAAAAGATAATTTAACATCTCTAT-3'

ClinVar aggregate classification (germline): Pathogenic (1 of 4 stars; one submission).

Conditions:
VPS13A-related neurodegenerative disease. Also called: ACANTHOCYTOSIS WITH NEUROLOGIC DISORDER; LEVINE-CRITCHLEY SYNDROME; Choreoacanthocytosis; Chorea-acanthocytosis; Choreaacanthocytosis; VPS13A Disease. Identifiers: Orphanet 2388, MedGen C0393576, MONDO:0008695, OMIM 200150.

Submission:

Myriad Genetics, Inc.
Classification: Pathogenic for VPS13A-related neurodegenerative disease. Last evaluated: 2024-05-14. Review status: criteria provided, single submitter. Criteria: Myriad Autosomal Dominant, Autosomal Recessive and X-Linked Classification Criteria (2023). Collection method: clinical testing. Allele origin: unknown.
Comment: NM_033305.2(VPS13A):c.6214_6215ins5(P2072Lfs*19) is expected to be pathogenic in the context of VPS13A disease. This variant is predicted to lead to an abnormal or absent protein product due to the creation of a premature termination codon in VPS13A, a gene where loss-of-function variants are known to be pathogenic. Please note: this variant was assessed in the context of healthy population screening.